The following is an entry in ClinVar:

ClinVar aggregate classification (germline): Uncertain significance (1 of 4 stars; one submission).

Conditions:
Bardet-Biedl syndrome (BBS). Identifiers: Orphanet 110, MedGen C0752166, MONDO:0015229.

gnomAD v4.1: 3 of 1,597,630 alleles (0.00019%); highest among the groups gnomAD compares: South Asian, 0.0034%; no homozygotes.

Submission:

SN ONGC Dept of Genetics and Molecular biology Vision Research Foundation
Classification: Uncertain significance for Bardet-Biedl syndrome. Review status: criteria provided, single submitter. Criteria: ACMG Guidelines, 2015. Collection method: research. Allele origin: unknown. Affected: yes. Observed: 1 heterozygote.
Comment: This variant was observed in digenic inheritance with the variant NC_000002.11:g.27676510T>G.

NM_020366.4(RPGRIP1):c.2669G>C (p.Arg890Pro)

Gene: RPGRIP1 (RPGR interacting protein 1; plus strand). Cytogenetic location: 14q11.2.
Variant type: single nucleotide variant.
Coding change: c.2669G>C on transcript NM_020366.4 (MANE Select); coding-DNA position 2669, G replaced by C.
Protein change: p.Arg890Pro; replaces arginine 890 with proline.
Molecular consequence: missense variant. On other transcripts: intron variant (4).
Genome position (GRCh38, 1-based): chr14:21,326,132, G>C. VCF-style: chr14-21326132-G-C. GRCh37 (hg19) VCF-style: chr14-21794291-G-C.
Other names: c.1595G>C, p.Arg532Pro (NM_001377948.1); c.796+1407G>C (NM_001377949.1); c.689-1491G>C (NM_001377523.1, NM_001377950.1); c.191-1491G>C (NM_001377951.1); short protein forms R532P, R890P.
Identifiers: ClinVar variation 2500154 (VCV002500154.1), dbSNP rs374913550, ClinGen allele CA388869564.